The following is an entry in ClinVar:

ClinVar aggregate classification (germline): Uncertain significance (1 of 4 stars; one submission).

Submission:

GeneDx
Classification: Uncertain significance. Last evaluated: 2025-05-16. Review status: criteria provided, single submitter. Criteria: GeneDx Variant Classification Process June 2021. Collection method: clinical testing. Allele origin: germline. Affected: yes.
Comment: Not observed at significant frequency in large population cohorts (gnomAD); In silico analysis supports that this missense variant has a deleterious effect on protein structure/function; Has not been previously published as pathogenic or benign to our knowledge; Also known as 2663A>G

NM_000059.4(BRCA2):c.2435A>G (p.Asn812Ser)

Gene: BRCA2 (BRCA2 DNA repair associated; plus strand). Cytogenetic location: 13q13.1.
Variant type: single nucleotide variant.
Coding change: c.2435A>G on transcript NM_000059.4 (MANE Select); coding-DNA position 2435, A replaced by G.
Protein change: p.Asn812Ser; replaces asparagine 812 with serine.
Molecular consequence: missense variant. On other transcripts: non-coding transcript variant (1), intron variant (2).
Genome position (GRCh38, 1-based): chr13:32,336,790, A>G. VCF-style: chr13-32336790-A-G. GRCh37 (hg19) VCF-style: chr13-32910927-A-G.
Other names: c.2435A>G, p.Asn812Ser (NM_001406719.1, NM_001406720.1, NM_001432077.1); c.1909+3403A>G (NM_001406721.1); c.424+5760A>G (NM_001406722.1); short protein forms N812S.
Identifiers: ClinVar variation 4529598 (VCV004529598.1).
Genomic context (GRCh38, chr13:32,336,790, plus strand): 5'-ACAAAATGTCAGACAAGCTCAAAGGTAACAATTATGAATCTGATGTTGAATTAACCAAAA[A>G]TATTCCCATGGAAAAGAATCAAGATGTATGTGCTTTAAATGAAAATTATAAAAACGTTGA-3'
Protein context (NP_000050.3, residues 802-822): NYESDVELTK[Asn812Ser]IPMEKNQDVC